The following is an entry in ClinVar:

ClinVar aggregate classification (germline): Uncertain significance (1 of 4 stars; one submission).

Conditions:
Familial cancer of breast. Also called: hereditary breast carcinoma; BREAST CANCER, FAMILIAL; Hereditary breast cancer. Identifiers: Orphanet 227535, MedGen C0346153, MONDO:0016419, OMIM 114480. Disease mechanism: loss of function.

Submission:

Labcorp Genetics (formerly Invitae), Labcorp
Classification: Uncertain significance for Familial cancer of breast. Last evaluated: 2022-06-28. Review status: criteria provided, single submitter. Criteria: Invitae Variant Classification Sherloc (09022015). Collection method: clinical testing. Allele origin: germline.
Comment: In summary, the available evidence is currently insufficient to determine the role of this variant in disease. Therefore, it has been classified as a Variant of Uncertain Significance. Algorithms developed to predict the effect of sequence changes on RNA splicing suggest that this variant may disrupt the consensus splice site. This variant has not been reported in the literature in individuals affected with PALB2-related conditions. This variant is not present in population databases (gnomAD no frequency). This sequence change falls in intron 10 of the PALB2 gene. It does not directly change the encoded amino acid sequence of the PALB2 protein.

NM_024675.4(PALB2):c.3114-6T>A

Gene: PALB2 (partner and localizer of BRCA2; minus strand). Cytogenetic location: 16p12.2.
Variant type: single nucleotide variant.
Coding change: c.3114-6T>A on transcript NM_024675.4 (MANE Select); 6 bases into the intron before coding-DNA position 3114, T replaced by A.
Molecular consequence: intron variant.
Genome position (GRCh38, 1-based): chr16:23,614,097, A>T on the plus strand (T>A on the coding strand, the complement: PALB2 is on the minus strand). VCF-style: chr16-23614097-A-T. GRCh37 (hg19) VCF-style: chr16-23625418-A-T.
Identifiers: ClinVar variation 2011715 (VCV002011715.4), dbSNP rs1064794886, ClinGen allele CA2580091258.
Genomic context (GRCh38, chr16:23,614,097, plus strand): 5'-TTGGTAAGAATCATCAATGTGCATCTTTTTCAGGAGTTGACCAGTTTTTAAATTCCTTAG[A>T]TAACAAAAATAAATAAGCTGATCACATTCTTCCAACAAACCAGTTTTCAGAAAATATTTT-3'